The following is an entry in ClinVar:

ClinVar aggregate classification (germline): Pathogenic (1 of 4 stars; one submission).

Conditions:
Hypogonadotropic hypogonadism 7 with or without anosmia (HH7). Also called: GNRHR-Related GnRH Deficiency; HYPOGONADOTROPIC HYPOGONADISM 7 WITHOUT ANOSMIA. Identifiers: Orphanet 432, MedGen C0342384, MONDO:0007794, OMIM 146110.

Submission:

Women's Health and Genetics/Laboratory Corporation of America, LabCorp
Classification: Pathogenic for Hypogonadotropic hypogonadism 7 with or without anosmia. Last evaluated: 2023-07-19. Review status: criteria provided, single submitter. Criteria: LabCorp Variant Classification Summary - May 2015. Collection method: clinical testing. Allele origin: germline.
Comment: Variant summary: GNRHR c.35delA (p.Asn12IlefsX12) results in a premature termination codon, predicted to cause a truncation of the encoded protein or absence of the protein due to nonsense mediated decay, which are commonly known mechanisms for disease. The variant was absent in 247808 control chromosomes. c.35delA (sometimes referred to as c.32delA in the literature) has been reported in individuals affected with Hypogonadotropic Hypogonadism 7 With Or Without Anosmia (e.g. Gianetti_2012). These data indicate that the variant is likely to be associated with disease. To our knowledge, no experimental evidence demonstrating an impact on protein function has been reported. The following publication has been ascertained in the context of this evaluation (PMID: 22745237). No submitters have cited clinical-significance assessments for this variant to ClinVar after 2014. Based on the evidence outlined above, the variant was classified as pathogenic.

Literature cited by the submitters: PubMed 22745237.

NM_000406.3(GNRHR):c.35del (p.Asn12fs)

Gene: GNRHR (gonadotropin releasing hormone receptor; minus strand). Cytogenetic location: 4q13.2.
Variant type: Deletion.
Coding change: c.35del on transcript NM_000406.3 (MANE Select); coding-DNA position 35, one base deleted (A; older notation c.35delA).
Protein change: p.Asn12fs; shifts the reading frame from asparagine 12.
Molecular consequence: frameshift variant.
Genome position (GRCh38, 1-based): chr4:67,754,301, T deleted on the plus strand (A on the coding strand, the reverse complement: GNRHR is on the minus strand); the first of 4 consecutive T bases (chr4:67,754,301-67,754,304); deleting any one gives the same sequence. VCF-style (leftmost placement, unchanged base first): chr4-67754300-AT-A. GRCh37 (hg19) VCF-style: chr4-68620018-AT-A.
Other names: c.35del, p.Asn12fs (NM_001012763.2); short protein forms N12fs.
Identifiers: ClinVar variation 2577284 (VCV002577284.1), dbSNP rs2475805410, ClinGen allele CA2580616109.